The following is an entry in ClinVar:

ClinVar aggregate classification (germline): Conflicting classifications of pathogenicity. Review status: criteria provided, conflicting classifications (1 of 4 stars). 2 submissions from 2 submitters: Uncertain significance (1); Likely benign (1). Last evaluated 2025-09-15.

Allele frequency attached by ClinVar (database versions not stated): gnomAD exomes below 0.00001 and 0.00003; gnomAD 0.00001; TOPMed 0.00001.
gnomAD v4.1: 51 of 1,613,738 alleles (0.0032%); highest among the groups gnomAD compares: Non-Finnish European, 0.004%; no homozygotes.

Submissions (2):

Labcorp Genetics (formerly Invitae), Labcorp
Classification: Likely benign. Last evaluated: 2025-09-15. Review status: criteria provided, single submitter. Criteria: Invitae Variant Classification Sherloc (09022015). Collection method: clinical testing. Allele origin: germline.

GeneDx
Classification: Uncertain significance. Last evaluated: 2024-09-30. Review status: criteria provided, single submitter. Criteria: GeneDx Variant Classification Process June 2021. Collection method: clinical testing. Allele origin: germline. Affected: yes.
Comment: Not observed at significant frequency in large population cohorts (gnomAD); In silico analysis indicates that this missense variant does not alter protein structure/function; Has not been previously published as pathogenic or benign to our knowledge

NM_001854.4(COL11A1):c.1100G>A (p.Gly367Asp)

Gene: COL11A1 (collagen type XI alpha 1 chain; minus strand). Cytogenetic location: 1p21.1.
Variant type: single nucleotide variant.
Coding change: c.1100G>A on transcript NM_001854.4 (MANE Select); coding-DNA position 1100, G replaced by A.
Protein change: p.Gly367Asp; replaces glycine 367 with aspartic acid.
Molecular consequence: missense variant. On other transcripts: non-coding transcript variant (1), intron variant (1).
Genome position (GRCh38, 1-based): chr1:103,022,887, C>T on the plus strand (G>A on the coding strand, the complement: COL11A1 is on the minus strand). VCF-style: chr1-103022887-C-T. GRCh37 (hg19) VCF-style: chr1-103488443-C-T.
Other names: c.983G>A, p.Gly328Asp (NM_001190709.2); c.1136G>A, p.Gly379Asp (NM_080629.3); c.898-1118G>A (NM_080630.4); short protein forms G328D, G367D, G379D.
Identifiers: ClinVar variation 1211969 (VCV001211969.13), dbSNP rs1402186540, ClinGen allele CA341154764.